The following is an entry in ClinVar:

ClinVar aggregate classification (germline): Uncertain significance. Review status: criteria provided, multiple submitters, no conflicts (2 of 4 stars). 2 submissions from 2 submitters: Uncertain significance (2). Last evaluated 2024-11-13.

Conditions:
Primary dilated cardiomyopathy (DCM). Also called: Dilated Cardiomyopathy. Identifiers: Orphanet 217604, MedGen C0007193, MeSH D002311, MONDO:0005021, HP:0001644. Inheritance: Various modes of inheritance.

Allele frequency attached by ClinVar (database versions not stated): gnomAD 0.00003; TOPMed 0.00013.
gnomAD v4.1: 15 of 1,595,494 alleles (0.00094%); highest among the groups gnomAD compares: African/African-American, 0.015%; no homozygotes.

Submissions (2):

Labcorp Genetics (formerly Invitae), Labcorp
Classification: Uncertain significance for Primary dilated cardiomyopathy. Last evaluated: 2024-11-13. Review status: criteria provided, single submitter. Criteria: Invitae Variant Classification Sherloc (09022015). Collection method: clinical testing. Allele origin: germline.
Comment: This sequence change affects a donor splice site in intron 9 of the NEBL gene. It is expected to disrupt RNA splicing. Variants that disrupt the donor or acceptor splice site typically lead to a loss of protein function (PMID: 16199547), however the current clinical and genetic evidence is not sufficient to establish whether loss-of-function variants in NEBL cause disease. This variant is present in population databases (rs775057540, gnomAD 0.02%). This variant has not been reported in the literature in individuals affected with NEBL-related conditions. ClinVar contains an entry for this variant (Variation ID: 229050). In summary, the available evidence is currently insufficient to determine the role of this variant in disease. Therefore, it has been classified as a Variant of Uncertain Significance.

Laboratory for Molecular Medicine, Mass General Brigham Personalized Medicine
Classification: Uncertain significance. Last evaluated: 2023-02-06. Review status: criteria provided, single submitter. Criteria: ACMG Guidelines, 2015. Collection method: clinical testing. Allele origin: germline.
Comment: It has been identified in 0.017% (7/41444) of African chromosomes by gnomAD (v.3.1.2). This variant occurs within the canonical splice site (+/- 1,2) and is predicted to cause altered splicing leading to an abnormal or absent protein. While splice and other loss of function variants in NEBL have been reported in individuals with DCM (Purevjav 2010 PMID: 20951326), current evidence is not sufficient to establish with certainty whether loss of function is a disease mechanism for DCM. In summary, despite the predicted severe impact to the protein, the clinical significance of this variant is uncertain, and its frequency suggests that it is unlikely disease causing in the heterozygous state. ACMG/AMP Criteria applied: BS1_Supporting.

Literature cited by the submitters: PubMed 16199547 (cited by Labcorp Genetics (formerly Invitae), Labcorp); PubMed 20951326 (cited by Laboratory for Molecular Medicine, Mass General Brigham Personalized Medicine).

NM_006393.3(NEBL):c.903+1G>T

Gene: NEBL (nebulette; minus strand). Cytogenetic location: 10p12.31.
Variant type: single nucleotide variant.
Coding change: c.903+1G>T on transcript NM_006393.3 (MANE Select); the canonical splice donor site of the intron after coding-DNA position 903, G replaced by T.
Molecular consequence: splice donor variant. On other transcripts: intron variant (9).
Genome position (GRCh38, 1-based): chr10:20,858,239, C>A on the plus strand (G>T on the coding strand, the complement: NEBL is on the minus strand). VCF-style: chr10-20858239-C-A. GRCh37 (hg19) VCF-style: chr10-21147168-C-A.
Other names: c.250-45299G>T (NM_001377326.1, NM_001377327.1, NM_001377328.1); c.358-45299G>T (NM_213569.2, NM_001173484.2, NM_001377322.1); c.301-45299G>T (NM_001377324.1); c.292-45299G>T (NM_001377325.1); c.310-45299G>T (NM_001377323.1).
Identifiers: ClinVar variation 229050 (VCV000229050.12), dbSNP rs775057540, ClinGen allele CA5433066.